The following is an entry in ClinVar:

ClinVar aggregate classification (germline): Uncertain significance (1 of 4 stars; one submission).

Conditions:
BBS7-related disorder. Also called: BBS7-related condition.

Submission:

PreventionGenetics, part of Exact Sciences
Classification: Uncertain significance for BBS7-related condition. Last evaluated: 2026-03-03. Review status: criteria provided, single submitter. Criteria: ACMG Guidelines, 2015. Collection method: clinical testing. Allele origin: germline.
Comment: The BBS7 c.1009G>C variant is predicted to result in the amino acid substitution p.Glu337Gln. To our knowledge, this variant has not been reported in the literature or in a large population database (gnomAD), indicating this variant is rare. At this time, the clinical significance of this variant is uncertain due to the absence of conclusive functional and genetic evidence.

NM_176824.3(BBS7):c.1009G>C (p.Glu337Gln)

Gene: BBS7 (Bardet-Biedl syndrome 7; minus strand). Cytogenetic location: 4q27.
Variant type: single nucleotide variant.
Coding change: c.1009G>C on transcript NM_176824.3 (MANE Select); coding-DNA position 1009, G replaced by C.
Protein change: p.Glu337Gln; replaces glutamic acid 337 with glutamine.
Molecular consequence: missense variant.
Genome position (GRCh38, 1-based): chr4:121,847,432, C>G on the plus strand (G>C on the coding strand, the complement: BBS7 is on the minus strand). VCF-style: chr4-121847432-C-G. GRCh37 (hg19) VCF-style: chr4-122768587-C-G.
Other names: c.1009G>C, p.Glu337Gln (NM_018190.4); short protein forms E337Q.
Identifiers: ClinVar variation 4991940 (VCV004991940.1).